The following is an entry in ClinVar:

ClinVar aggregate classification (germline): Uncertain significance (1 of 4 stars; one submission).

Submission:

Labcorp Genetics (formerly Invitae), Labcorp
Classification: Uncertain significance. Last evaluated: 2025-12-30. Review status: criteria provided, single submitter. Criteria: Invitae Variant Classification Sherloc (09022015). Collection method: clinical testing. Allele origin: germline.
Comment: This sequence change replaces isoleucine, which is neutral and non-polar, with methionine, which is neutral and non-polar, at codon 390 of the FAM111A protein (p.Ile390Met). This variant is present in population databases (no rsID available, gnomAD 0.008%). This variant has not been reported in the literature in individuals affected with FAM111A-related conditions. Invitae Evidence Modeling of protein sequence and biophysical properties (such as structural, functional, and spatial information, amino acid conservation, physicochemical variation, residue mobility, and thermodynamic stability) indicates that this missense variant is not expected to disrupt FAM111A protein function with a negative predictive value of 80%. In summary, the available evidence is currently insufficient to determine the role of this variant in disease. Therefore, it has been classified as a Variant of Uncertain Significance.

NM_001312909.2(FAM111A):c.1170T>G (p.Ile390Met)

Gene: FAM111A (FAM111 trypsin like peptidase A; plus strand). Cytogenetic location: 11q12.1.
Variant type: single nucleotide variant.
Coding change: c.1170T>G on transcript NM_001312909.2 (MANE Select); coding-DNA position 1170, T replaced by G.
Protein change: p.Ile390Met; replaces isoleucine 390 with methionine.
Molecular consequence: missense variant.
Genome position (GRCh38, 1-based): chr11:59,152,838, T>G. VCF-style: chr11-59152838-T-G. GRCh37 (hg19) VCF-style: chr11-58920311-T-G.
Other names: c.1170T>G, p.Ile390Met (NM_001142521.3, NM_001312910.2, NM_001312911.2 and 29 more transcripts); short protein forms I390M.
Identifiers: ClinVar variation 4742428 (VCV004742428.1).